The following is an entry in ClinVar:

ClinVar aggregate classification (germline): Benign. Review status: criteria provided, multiple submitters, no conflicts (2 of 4 stars). 5 submissions from 5 submitters: Benign (4). 1 of the submissions does not count toward it. Last evaluated 2026-02-02.

Conditions:
Hyaline fibromatosis syndrome (HFS). Also called: Hyalinosis, Inherited Systemic; HYALINOSIS, SYSTEMIC. Identifiers: Orphanet 2028, Orphanet 498474, MedGen C5574677, MONDO:0009229, OMIM 228600.
ANTXR2-related disorder. Also called: ANTXR2-related condition.

Allele frequency attached by ClinVar (database versions not stated): 1000 Genomes Project 0.04613; 1000 Genomes Project 30x 0.04716; TOPMed 0.07041.
gnomAD v4.1: 148,628 of 1,604,504 alleles (9.3%); highest among the groups gnomAD compares: Non-Finnish European, 11%; 7,444 homozygotes.

Submissions (5):

Labcorp Genetics (formerly Invitae), Labcorp
Classification: Benign. Last evaluated: 2026-02-02. Review status: criteria provided, single submitter. Criteria: Invitae Variant Classification Sherloc (09022015). Collection method: clinical testing. Allele origin: germline.

GeneDx
Classification: Benign. Last evaluated: 2018-11-10. Review status: criteria provided, single submitter. Criteria: GeneDx Variant Classification Process June 2021. Collection method: clinical testing. Allele origin: germline. Affected: yes.

Illumina Laboratory Services, Illumina
Classification: Benign for Hyaline fibromatosis syndrome. Last evaluated: 2018-01-12. Review status: criteria provided, single submitter. Criteria: ICSL Variant Classification Criteria 13 December 2019. Collection method: clinical testing. Allele origin: germline.
Comment: This variant was observed in the ICSL laboratory as part of a predisposition screen in an ostensibly healthy population. It had not been previously curated by ICSL or reported in the Human Gene Mutation Database (HGMD: prior to June 1st, 2018), and was therefore a candidate for classification through an automated scoring system. Utilizing variant allele frequency, disease prevalence and penetrance estimates, and inheritance mode, an automated score was calculated to assess if this variant is too frequent to cause the disease. Based on the score and internal cut-off values, a variant classified as benign is not then subjected to further curation. The score for this variant resulted in a classification of benign for this disease.

Breakthrough Genomics
Classification: Benign. Review status: criteria provided, single submitter. Criteria: ACMG Guidelines, 2015. Collection method: not provided. Allele origin: germline. Inheritance: Autosomal recessive inheritance. Affected: yes.

PreventionGenetics, part of Exact Sciences
Classification: Benign for ANTXR2-related condition. Last evaluated: 2019-05-20. Review status: no assertion criteria provided. Collection method: clinical testing. Allele origin: germline. Not counted in ClinVar's aggregate classification.
Comment: This variant is classified as benign based on ACMG/AMP sequence variant interpretation guidelines (Richards et al. 2015 PMID: 25741868, with internal and published modifications).

NM_058172.6(ANTXR2):c.1068C>A (p.Pro356=)

Gene: ANTXR2 (ANTXR cell adhesion molecule 2; minus strand). Cytogenetic location: 4q21.21.
Variant type: single nucleotide variant.
Coding change: c.1068C>A on transcript NM_058172.6 (MANE Select); coding-DNA position 1068, C replaced by A.
Protein change: p.Pro356=; no amino-acid change (proline 356 retained).
Molecular consequence: synonymous variant.
Genome position (GRCh38, 1-based): chr4:79,984,837, G>T on the plus strand (C>A on the coding strand, the complement: ANTXR2 is on the minus strand). VCF-style: chr4-79984837-G-T. GRCh37 (hg19) VCF-style: chr4-80905991-G-T.
Other names: c.1068C>A, p.Pro356= (NM_001145794.2); c.837C>A, p.Pro279= (NM_001286780.2, NM_001286781.2).
Identifiers: ClinVar variation 349876 (VCV000349876.11), dbSNP rs72653288, ClinGen allele CA2981739.